The following is an entry in ClinVar:

NM_007167.4(ZMYM6):c.179-5G>C

Gene: ZMYM6 (zinc finger MYM-type containing 6; minus strand). Cytogenetic location: 1p34.3.
Variant type: single nucleotide variant.
Coding change: c.179-5G>C on transcript NM_007167.4 (MANE Select); 5 bases into the intron before coding-DNA position 179, G replaced by C.
Molecular consequence: intron variant.
Genome position (GRCh38, 1-based): chr1:35,019,607, C>G on the plus strand (G>C on the coding strand, the complement: ZMYM6 is on the minus strand). VCF-style: chr1-35019607-C-G. GRCh37 (hg19) VCF-style: chr1-35485208-C-G.
Other names: NC_000001.10:g.35485208C>G.
Identifiers: ClinVar variation 712419 (VCV000712419.7), dbSNP rs141291739, ClinGen allele CA756821.

ClinVar aggregate classification (germline): Benign. Review status: criteria provided, multiple submitters, no conflicts (2 of 4 stars). 3 submissions from 3 submitters: Benign (2). 1 of the submissions does not count toward it. Last evaluated 2018-07-31.

Conditions:
ZMYM6-related disorder. Also called: ZMYM6-related condition.

Allele frequency attached by ClinVar (database versions not stated): ExAC 0.00093; 1000 Genomes Project 30x 0.00219; 1000 Genomes Project 0.00220; ESP Exome Variant Server 0.00285; gnomAD 0.00317 and 0.00341; TOPMed 0.00363; gnomAD exomes 0.00028 and 0.00087.
gnomAD v4.1: 928 of 1,575,590 alleles (0.059%); highest among the groups gnomAD compares: African/African-American, 1%; 3 homozygotes.

Submissions (4):

Labcorp Genetics (formerly Invitae), Labcorp
Classification: Benign. Last evaluated: 2018-07-31. Review status: criteria provided, single submitter. Criteria: Invitae Variant Classification Sherloc (09022015). Collection method: clinical testing. Allele origin: germline.

Breakthrough Genomics
Classification: Benign. Review status: criteria provided, single submitter. Criteria: ACMG Guidelines, 2015. Collection method: not provided. Allele origin: germline. Inheritance: Unknown mechanism. Affected: yes.

PreventionGenetics, part of Exact Sciences
Classification: Benign for ZMYM6-related condition. Last evaluated: 2019-04-01. Review status: no assertion criteria provided. Collection method: clinical testing. Allele origin: germline. Not counted in ClinVar's aggregate classification.
Comment: This variant is classified as benign based on ACMG/AMP sequence variant interpretation guidelines (Richards et al. 2015 PMID: 25741868, with internal and published modifications).

Dr. Peter K. Rogan Lab, Western University
No classification provided (evidence only). Condition: Gastric cancer. Review status: no classification provided. Collection method: in vitro. Allele origin: not applicable. Functional consequence: skipped exon. Not counted in ClinVar's aggregate classification.